The following is an entry in ClinVar:

NM_001195263.2(PDZD7):c.2480A>G (p.Asp827Gly)

Gene: PDZD7 (PDZ domain containing 7; minus strand). Cytogenetic location: 10q24.31.
Variant type: single nucleotide variant.
Coding change: c.2480A>G on transcript NM_001195263.2 (MANE Select); coding-DNA position 2480, A replaced by G.
Protein change: p.Asp827Gly; replaces aspartic acid 827 with glycine.
Molecular consequence: missense variant.
Genome position (GRCh38, 1-based): chr10:101,010,409, T>C on the plus strand (A>G on the coding strand, the complement: PDZD7 is on the minus strand). VCF-style: chr10-101010409-T-C. GRCh37 (hg19) VCF-style: chr10-102770166-T-C.
Other names: short protein forms D827G.
Identifiers: ClinVar variation 1940145 (VCV001940145.5), dbSNP rs1415971384, ClinGen allele CA378224064.

ClinVar aggregate classification (germline): Uncertain significance (1 of 4 stars; one submission).

Allele frequency attached by ClinVar (database versions not stated): gnomAD exomes below 0.00001; gnomAD 0.00001; TOPMed 0.00001.

Submission:

Labcorp Genetics (formerly Invitae), Labcorp
Classification: Uncertain significance. Last evaluated: 2022-07-12. Review status: criteria provided, single submitter. Criteria: Invitae Variant Classification Sherloc (09022015). Collection method: clinical testing. Allele origin: germline.
Comment: Algorithms developed to predict the effect of sequence changes on RNA splicing suggest that this variant may create or strengthen a splice site. In summary, the available evidence is currently insufficient to determine the role of this variant in disease. Therefore, it has been classified as a Variant of Uncertain Significance. Algorithms developed to predict the effect of missense changes on protein structure and function output the following: SIFT: "Tolerated"; PolyPhen-2: "Not Available"; Align-GVGD: "Class C0". The glycine amino acid residue is found in multiple mammalian species, which suggests that this missense change does not adversely affect protein function. This variant has not been reported in the literature in individuals affected with PDZD7-related conditions. This variant is present in population databases (no rsID available, gnomAD 0.004%). This sequence change replaces aspartic acid, which is acidic and polar, with glycine, which is neutral and non-polar, at codon 827 of the PDZD7 protein (p.Asp827Gly).